The following is an entry in ClinVar:

NM_002230.4(JUP):c.820G>A (p.Val274Met)

Gene: JUP (junction plakoglobin; minus strand). Cytogenetic location: 17q21.2.
Variant type: single nucleotide variant.
Coding change: c.820G>A on transcript NM_002230.4 (MANE Select); coding-DNA position 820, G replaced by A.
Protein change: p.Val274Met; replaces valine 274 with methionine.
Molecular consequence: missense variant.
Genome position (GRCh38, 1-based): chr17:41,767,468, C>T on the plus strand (G>A on the coding strand, the complement: JUP is on the minus strand). VCF-style: chr17-41767468-C-T. GRCh37 (hg19) VCF-style: chr17-39923720-C-T.
Other names: c.820G>A, p.Val274Met (NM_001352773.2, NM_001352774.2, NM_001352775.2 and 3 more transcripts); short protein forms V274M.
Identifiers: ClinVar variation 519238 (VCV000519238.14), dbSNP rs1555604537, ClinGen allele CA399501051.

ClinVar aggregate classification (germline): Uncertain significance. Review status: criteria provided, multiple submitters, no conflicts (2 of 4 stars). 3 submissions from 3 submitters: Uncertain significance (3). Last evaluated 2021-07-19.

Conditions:
Cardiovascular phenotype. Identifiers: MedGen CN230736.
Naxos disease (NXD). Also called: PALMOPLANTAR KERATODERMA WITH ARRHYTHMOGENIC RIGHT VENTRICULAR CARDIOMYOPATHY AND WOOLLY HAIR; CARDIOMYOPATHY, ARRHYTHMOGENIC RIGHT VENTRICULAR, WITH SKIN, HAIR, AND NAIL ABNORMALITIES; KERATOSIS PALMOPLANTARIS WITH ARRHYTHMOGENIC CARDIOMYOPATHY; MAL DE NAXOS; WOOLLY HAIR, PALMOPLANTAR KERATODERMA, AND CARDIAC ABNORMALITIES. Identifiers: Orphanet 34217, MedGen C1832600, MONDO:0011017, OMIM 601214.
Arrhythmogenic right ventricular dysplasia 12. Also called: ARRHYTHMOGENIC RIGHT VENTRICULAR DYSPLASIA, FAMILIAL, 12. Identifiers: MedGen C1969081, MONDO:0012684, OMIM 611528.

Submissions (3):

Fulgent Genetics
Classification: Uncertain significance for Naxos disease; Arrhythmogenic right ventricular dysplasia 12. Last evaluated: 2021-07-19. Review status: criteria provided, single submitter. Criteria: ACMG Guidelines, 2015. Collection method: clinical testing. Allele origin: unknown.

Labcorp Genetics (formerly Invitae), Labcorp
Classification: Uncertain significance for Arrhythmogenic right ventricular dysplasia 12; Naxos disease. Last evaluated: 2020-02-21. Review status: criteria provided, single submitter. Criteria: Invitae Variant Classification Sherloc (09022015). Collection method: clinical testing. Allele origin: germline.
Comment: This sequence change replaces valine with methionine at codon 274 of the JUP protein (p.Val274Met). The valine residue is highly conserved and there is a small physicochemical difference between valine and methionine. This variant is not present in population databases (ExAC no frequency). This variant has not been reported in the literature in individuals with JUP-related conditions. ClinVar contains an entry for this variant (Variation ID: 519238). Algorithms developed to predict the effect of missense changes on protein structure and function are either unavailable or do not agree on the potential impact of this missense change (SIFT: "Deleterious"; PolyPhen-2: "Possibly Damaging"; Align-GVGD: "Class C0"). In summary, the available evidence is currently insufficient to determine the role of this variant in disease. Therefore, it has been classified as a Variant of Uncertain Significance.

Ambry Genetics
Classification: Uncertain significance for Cardiovascular phenotype. Last evaluated: 2016-05-17. Review status: criteria provided, single submitter. Criteria: Ambry Variant Classification Scheme 2023. Collection method: clinical testing. Allele origin: germline.
Comment: The p.V274M variant (also known as c.820G>A), located in coding exon 4 of the JUP gene, results from a G to A substitution at nucleotide position 820. The valine at codon 274 is replaced by methionine, an amino acid with highly similar properties. This variant was not reported in population based cohorts in the following databases: Database of Single Nucleotide Polymorphisms (dbSNP), NHLBI Exome Sequencing Project (ESP), and 1000 Genomes Project. In the ESP, this variant was not observed in 6503 samples (13006 alleles) with coverage at this position. This amino acid position is highly conserved in available vertebrate species. In addition, this alteration is predicted to be deleterious by in silico analysis. Since supporting evidence is limited at this time, the clinical significance of this variant remains unclear.